The following is an entry in ClinVar:

NM_001035.3(RYR2):c.1097T>C (p.Val366Ala)

Gene: RYR2 (ryanodine receptor 2; plus strand). Cytogenetic location: 1q43.
Variant type: single nucleotide variant.
Coding change: c.1097T>C on transcript NM_001035.3 (MANE Select); coding-DNA position 1097, T replaced by C.
Protein change: p.Val366Ala; replaces valine 366 with alanine.
Molecular consequence: missense variant.
Genome position (GRCh38, 1-based): chr1:237,441,410, T>C. VCF-style: chr1-237441410-T-C. GRCh37 (hg19) VCF-style: chr1-237604710-T-C.
Other names: short protein forms V366A.
Identifiers: ClinVar variation 4976159 (VCV004976159.1).
Genomic context (GRCh38, chr1:237,441,410, plus strand): 5'-TAGATGGCATGGGAACATCTGAAATAAAATACGGTGACTCAGTATGCTATATACAACATG[T>C]AGACACAGGCCTATGGCTTACTTACCAGTCTGTGGACGTGAAATCCGTGAGAATGGGATC-3'
Protein context (NP_001026.2, residues 356-376): YGDSVCYIQH[Val366Ala]DTGLWLTYQS

ClinVar aggregate classification (germline): Uncertain significance (1 of 4 stars; one submission).

gnomAD v4.1: 12 of 1,613,146 alleles (0.00074%); highest among the groups gnomAD compares: Non-Finnish European, 0.001%; no homozygotes.

Submission:

GeneDx
Classification: Uncertain significance. Last evaluated: 2026-02-19. Review status: criteria provided, single submitter. Criteria: GeneDx Variant Classification Process June 2021. Collection method: clinical testing. Allele origin: germline.
Comment: Not observed at significant frequency in large population cohorts (gnomAD); In silico analysis supports that this missense variant has a deleterious effect on protein structure/function; Has not been previously published as pathogenic or benign to our knowledge; Located in one of the three hot-spot regions of the RYR2 gene, where the majority of pathogenic missense variants occur (PMID: 19926015); This variant is associated with the following publications: (PMID: 19926015)